The following is an entry in ClinVar:

NM_032447.5(FBN3):c.347G>A (p.Arg116Gln)

Gene: FBN3 (fibrillin 3; minus strand). Cytogenetic location: 19p13.2.
Variant type: single nucleotide variant.
Coding change: c.347G>A on transcript NM_032447.5 (MANE Select); coding-DNA position 347, G replaced by A.
Protein change: p.Arg116Gln; replaces arginine 116 with glutamine.
Molecular consequence: missense variant.
Genome position (GRCh38, 1-based): chr19:8,146,129, C>T on the plus strand (G>A on the coding strand, the complement: FBN3 is on the minus strand). VCF-style: chr19-8146129-C-T. GRCh37 (hg19) VCF-style: chr19-8211013-C-T.
Other names: c.347G>A, p.Arg116Gln (NM_001321431.2); short protein forms R116Q.
Identifiers: ClinVar variation 3608886 (VCV003608886.2).

ClinVar aggregate classification (germline): Uncertain significance (1 of 4 stars; one submission).

gnomAD v4.1: 23 of 1,588,824 alleles (0.0014%); highest among the groups gnomAD compares: East Asian, 0.041%; no homozygotes.

Submission:

Labcorp Genetics (formerly Invitae), Labcorp
Classification: Uncertain significance. Last evaluated: 2024-07-09. Review status: criteria provided, single submitter. Criteria: Invitae Variant Classification Sherloc (09022015). Collection method: clinical testing. Allele origin: germline.
Comment: This sequence change replaces arginine, which is basic and polar, with glutamine, which is neutral and polar, at codon 116 of the FBN3 protein (p.Arg116Gln). This variant is present in population databases (rs372350622, gnomAD 0.05%). This variant has not been reported in the literature in individuals affected with FBN3-related conditions. An algorithm developed to predict the effect of missense changes on protein structure and function outputs the following: PolyPhen-2: "Benign". The glutamine amino acid residue is found in multiple mammalian species, which suggests that this missense change does not adversely affect protein function. In summary, the available evidence is currently insufficient to determine the role of this variant in disease. Therefore, it has been classified as a Variant of Uncertain Significance.